The following is an entry in ClinVar:

NM_006279.5(ST3GAL3):c.1105A>T (p.Thr369Ser)

Gene: ST3GAL3 (ST3 beta-galactoside alpha-2,3-sialyltransferase 3; plus strand). Cytogenetic location: 1p34.1.
Variant type: single nucleotide variant.
Coding change: c.1105A>T on transcript NM_006279.5 (MANE Select); coding-DNA position 1105, A replaced by T.
Protein change: p.Thr369Ser; replaces threonine 369 with serine.
Molecular consequence: missense variant. On other transcripts: 3 prime UTR variant (4), non-coding transcript variant (8).
Genome position (GRCh38, 1-based): chr1:43,930,198, A>T. VCF-style: chr1-43930198-A-T. GRCh37 (hg19) VCF-style: chr1-44395870-A-T.
Other names: c.1015A>T, p.Thr339Ser (NM_001270459.2); c.1012A>T, p.Thr338Ser (NM_001270460.2); c.763A>T, p.Thr255Ser (NM_001270461.3); c.670A>T, p.Thr224Ser (NM_001270462.3); c.*15A>T (NM_001270463.3, NM_001270464.3, NM_001270466.3); c.*89A>T (NM_001270465.3); c.1346A>T, p.His449Leu (NM_001350619.2); c.1301A>T, p.His434Leu (NM_001350620.2); and 12 more; short protein forms H418L, H449L, T255S, T325S, T338S, T384S, T438S, H170L.
Identifiers: ClinVar variation 2029077 (VCV002029077.1), dbSNP rs142076884, ClinGen allele CA814914.

ClinVar aggregate classification (germline): Uncertain significance (1 of 4 stars; one submission).

Conditions:
Developmental and epileptic encephalopathy. Identifiers: MedGen C5779964, MONDO:0100620.

Allele frequency attached by ClinVar (database versions not stated): 1000 Genomes Project 30x 0.00031; 1000 Genomes Project 0.00040.
gnomAD v4.1: 59 of 1,613,910 alleles (0.0037%); highest among the groups gnomAD compares: South Asian, 0.053%; 1 homozygote.

Submission:

Labcorp Genetics (formerly Invitae), Labcorp
Classification: Uncertain significance for Early-infantile DEE. Last evaluated: 2022-08-21. Review status: criteria provided, single submitter. Criteria: Invitae Variant Classification Sherloc (09022015). Collection method: clinical testing. Allele origin: germline.
Comment: This sequence change replaces threonine, which is neutral and polar, with serine, which is neutral and polar, at codon 369 of the ST3GAL3 protein (p.Thr369Ser). This variant is present in population databases (rs142076884, gnomAD 0.06%), including at least one homozygous and/or hemizygous individual. This variant has not been reported in the literature in individuals affected with ST3GAL3-related conditions. Algorithms developed to predict the effect of missense changes on protein structure and function (SIFT, PolyPhen-2, Align-GVGD) all suggest that this variant is likely to be tolerated. In summary, the available evidence is currently insufficient to determine the role of this variant in disease. Therefore, it has been classified as a Variant of Uncertain Significance.